The following is an entry in ClinVar:

ClinVar aggregate classification (germline): Likely benign (0 of 4 stars; one submission).

Conditions:
TENM3-related disorder. Also called: TENM3-related condition.

Allele frequency attached by ClinVar (database versions not stated): ExAC 0.00018; gnomAD 0.00040; TOPMed 0.00045; ESP Exome Variant Server 0.00058; 1000 Genomes Project 0.00060; 1000 Genomes Project 30x 0.00078.
gnomAD v4.1: 142 of 1,613,932 alleles (0.0088%); highest among the groups gnomAD compares: African/African-American, 0.16%; no homozygotes.

Submission:

PreventionGenetics, part of Exact Sciences
Classification: Likely benign for TENM3-related condition. Last evaluated: 2023-11-13. Review status: no assertion criteria provided. Collection method: clinical testing. Allele origin: germline.
Comment: This variant is classified as likely benign based on ACMG/AMP sequence variant interpretation guidelines (Richards et al. 2015 PMID: 25741868, with internal and published modifications).

NM_001080477.4(TENM3):c.5160G>A (p.Pro1720=)

Gene: TENM3 (teneurin transmembrane protein 3; plus strand). Cytogenetic location: 4q35.1.
Variant type: single nucleotide variant.
Coding change: c.5160G>A on transcript NM_001080477.4 (MANE Select); coding-DNA position 5160, G replaced by A.
Protein change: p.Pro1720=; no amino-acid change (proline 1720 retained).
Molecular consequence: synonymous variant.
Genome position (GRCh38, 1-based): chr4:182,775,009, G>A. VCF-style: chr4-182775009-G-A. GRCh37 (hg19) VCF-style: chr4-183696162-G-A.
Other names: c.4392G>A, p.Pro1464= (NM_001415960.1); c.4365G>A, p.Pro1455= (NM_001415961.1); c.4362G>A, p.Pro1454= (NM_001415962.1); c.4344G>A, p.Pro1448= (NM_001415963.1); c.4341G>A, p.Pro1447= (NM_001415964.1); c.4878G>A, p.Pro1626= (NM_001415966.1); c.4902G>A, p.Pro1634= (NM_001415967.1); c.5178G>A, p.Pro1726= (NM_001415968.1); and 4 more.
Identifiers: ClinVar variation 3053935 (VCV003053935.2), dbSNP rs202038436, ClinGen allele CA3148562.